The following is an entry in ClinVar:

NM_004360.5(CDH1):c.1980G>T (p.Val660=)

Gene: CDH1 (cadherin 1; plus strand). Cytogenetic location: 16q22.1.
Variant type: single nucleotide variant.
Coding change: c.1980G>T on transcript NM_004360.5 (MANE Select); coding-DNA position 1980, G replaced by T.
Protein change: p.Val660=; no amino-acid change (valine 660 retained).
Molecular consequence: synonymous variant.
Genome position (GRCh38, 1-based): chr16:68,823,442, G>T. VCF-style: chr16-68823442-G-T. GRCh37 (hg19) VCF-style: chr16-68857345-G-T.
Other names: c.1797G>T, p.Val599= (NM_001317184.2); c.432G>T, p.Val144= (NM_001317185.2); c.15G>T, p.Val5= (NM_001317186.2).
Identifiers: ClinVar variation 3379006 (VCV003379006.1).

ClinVar aggregate classification (germline): Benign (1 of 4 stars; one submission).

Conditions:
Hereditary diffuse gastric adenocarcinoma (HDGC). Also called: DIFFUSE GASTRIC AND LOBULAR BREAST CANCER SYNDROME. Identifiers: Orphanet 26106, MedGen C1708349, MONDO:0007648, OMIM 137215.

Submission:

Myriad Genetics, Inc.
Classification: Benign for Hereditary diffuse gastric adenocarcinoma. Last evaluated: 2024-09-20. Review status: criteria provided, single submitter. Criteria: Myriad Autosomal Dominant, Autosomal Recessive and X-Linked Classification Criteria (2023). Collection method: clinical testing. Allele origin: unknown.
Comment: This variant is considered benign. This variant is a silent/synonymous amino acid change and it is not expected to impact splicing.